The following is an entry in ClinVar:

NM_000393.5(COL5A2):c.4449C>T (p.Gly1483=)

Gene: COL5A2 (collagen type V alpha 2 chain; minus strand). Cytogenetic location: 2q32.2.
Variant type: single nucleotide variant.
Coding change: c.4449C>T on transcript NM_000393.5 (MANE Select); coding-DNA position 4449, C replaced by T.
Protein change: p.Gly1483=; no amino-acid change (glycine 1483 retained).
Molecular consequence: synonymous variant.
Genome position (GRCh38, 1-based): chr2:189,034,121, G>A on the plus strand (C>T on the coding strand, the complement: COL5A2 is on the minus strand). VCF-style: chr2-189034121-G-A. GRCh37 (hg19) VCF-style: chr2-189898847-G-A.
Other names: p.G1483G:GGC>GGT; p.Gly1483=; c.4449C>T (NM_000393.4).
Identifiers: ClinVar variation 136959 (VCV000136959.42), dbSNP rs78905646, ClinGen allele CA290404.
Genomic context (GRCh38, chr2:189,034,121, plus strand): 5'-TGGCTTACTTTACACAAAACAAACTGGCCCAATTTCAACGCCGAATTCCTGGTCTGTGCC[G>A]CCAACATCCACAGGAGCAAGATCTATGATGGGCAAGCGTGCCACATTCTGTGTTCTATAT-3'
Protein context (NP_000384.2, residues 1473-1493): PIIDLAPVDV[Gly1483=]GTDQEFGVEI

ClinVar aggregate classification (germline): Benign/Likely benign. Review status: criteria provided, multiple submitters, no conflicts (2 of 4 stars). 12 submissions from 12 submitters: Benign (10); Likely benign (2). Last evaluated 2026-02-04.

Conditions:
Ehlers-Danlos syndrome, classic type, 2 (EDSCL2). Also called: Ehlers-Danlos syndrome, type 2; Ehlers-Danlos Syndrome, Classic Type, COL5A2-Related; Ehlers-Danlos syndrome type 2 (formerly). Identifiers: Orphanet 287, Orphanet 90318, MedGen C0268336, MONDO:0019568, OMIM 130010.
Ehlers-Danlos syndrome, classic type, 1 (EDSCL1). Also called: Ehlers-Danlos syndrome, type 1; Ehlers-Danlos Syndrome, Classic Type, COL5A1-Related; EDS I; EHLERS-DANLOS SYNDROME, GRAVIS TYPE; EHLERS-DANLOS SYNDROME, SEVERE CLASSIC TYPE. Identifiers: MedGen C0268335, MONDO:0019567, OMIM 130000.
Ehlers-Danlos syndrome (EDS). Identifiers: Orphanet 98249, MedGen C0013720, MONDO:0020066.
Familial thoracic aortic aneurysm and aortic dissection (TAAD). Also called: Thoracic aortic aneurysms and dissections. Identifiers: Orphanet 91387, MedGen C4707243, MONDO:0019625.

Allele frequency attached by ClinVar (database versions not stated): 1000 Genomes Project 30x 0.00937; 1000 Genomes Project 0.01018; TOPMed 0.01453; gnomAD 0.01521 and 0.01586; ESP Exome Variant Server 0.01599; ExAC 0.01750.
gnomAD v4.1: 34,158 of 1,613,862 alleles (2.1%); highest among the groups gnomAD compares: Non-Finnish European, 2.3%; 441 homozygotes.

Submissions (12):

Labcorp Genetics (formerly Invitae), Labcorp
Classification: Benign for Ehlers-Danlos syndrome, classic type, 1. Last evaluated: 2026-02-04. Review status: criteria provided, single submitter. Criteria: Invitae Variant Classification Sherloc (09022015). Collection method: clinical testing. Allele origin: germline.

ARUP Laboratories, Molecular Genetics and Genomics, ARUP Laboratories
Classification: Benign for Ehlers-Danlos syndrome, classic type, 2. Last evaluated: 2025-05-09. Review status: criteria provided, single submitter. Criteria: ARUP Molecular Germline Variant Investigation Process 2024. Collection method: clinical testing. Allele origin: germline.

Molecular Diagnostic Laboratory for Inherited Cardiovascular Disease, Montreal Heart Institute
Classification: Likely benign. Last evaluated: 2025-04-09. Review status: criteria provided, single submitter. Criteria: ACMG Guidelines, 2015. Collection method: clinical testing. Allele origin: germline. Affected: no.
Comment: BS1;BP7

Blueprint Genetics
Classification: Benign. Last evaluated: 2024-11-26. Review status: criteria provided, single submitter. Criteria: ACMG Guidelines, 2015. Collection method: clinical testing. Allele origin: germline.

Mayo Clinic Laboratories, Mayo Clinic
Classification: Benign. Last evaluated: 2023-11-03. Review status: criteria provided, single submitter. Criteria: ACMG Guidelines, 2015. Collection method: clinical testing. Allele origin: germline. Observed: 256 variant alleles.
Comment: BS1, BS2

Women's Health and Genetics/Laboratory Corporation of America, LabCorp
Classification: Benign. Last evaluated: 2023-07-21. Review status: criteria provided, single submitter. Criteria: LabCorp Variant Classification Summary - May 2015. Collection method: clinical testing. Allele origin: germline.

Genome Diagnostics Laboratory, The Hospital for Sick Children
Classification: Benign for Ehlers-Danlos syndrome. Last evaluated: 2022-07-16. Review status: criteria provided, single submitter. Criteria: ACMG Guidelines, 2015. Collection method: clinical testing. Allele origin: germline.

Illumina Laboratory Services, Illumina
Classification: Benign for Ehlers-Danlos syndrome, classic type, 2. Last evaluated: 2018-01-13. Review status: criteria provided, single submitter. Criteria: ICSL Variant Classification Criteria 13 December 2019. Collection method: clinical testing. Allele origin: germline.
Comment: This variant was observed in the ICSL laboratory as part of a predisposition screen in an ostensibly healthy population. It had not been previously curated by ICSL or reported in the Human Gene Mutation Database (HGMD: prior to June 1st, 2018), and was therefore a candidate for classification through an automated scoring system. Utilizing variant allele frequency, disease prevalence and penetrance estimates, and inheritance mode, an automated score was calculated to assess if this variant is too frequent to cause the disease. Based on the score and internal cut-off values, a variant classified as benign is not then subjected to further curation. The score for this variant resulted in a classification of benign for this disease.

Ambry Genetics
Classification: Benign for Familial thoracic aortic aneurysm and aortic dissection. Last evaluated: 2015-03-03. Review status: criteria provided, single submitter. Criteria: Ambry Variant Classification Scheme 2023. Collection method: clinical testing. Allele origin: germline.

GeneDx
Classification: Benign. Last evaluated: 2012-12-11. Review status: criteria provided, single submitter. Criteria: GeneDx Variant Classification (06012015). Collection method: clinical testing. Allele origin: germline. Affected: yes.
Comment: This variant is considered likely benign or benign based on one or more of the following criteria: it is a conservative change, it occurs at a poorly conserved position in the protein, it is predicted to be benign by multiple in silico algorithms, and/or has population frequency not consistent with disease.

Breakthrough Genomics
Classification: Likely benign. Review status: criteria provided, single submitter. Criteria: ACMG Guidelines, 2015. Collection method: not provided. Allele origin: germline. Inheritance: Autosomal dominant inheritance. Affected: yes.

PreventionGenetics, part of Exact Sciences
Classification: Benign. Review status: criteria provided, single submitter. Criteria: ACMG Guidelines, 2015. Collection method: clinical testing. Allele origin: germline.